The following is an entry in ClinVar:

ClinVar aggregate classification (germline): Uncertain significance (1 of 4 stars; one submission).

Conditions:
Megaconial type congenital muscular dystrophy (MDCMC). Also called: CHKB-Related Muscular Dystrophy; MUSCULAR DYSTROPHY, CONGENITAL, WITH MITOCHONDRIAL STRUCTURAL ABNORMALITIES; CHKB-Related Muscle Diseases. Identifiers: Orphanet 280671, MedGen C1865233, MONDO:0011246, OMIM 602541.

Allele frequency attached by ClinVar (database versions not stated): ExAC 0.00001; gnomAD exomes 0.00001.
gnomAD v4.1: 19 of 1,613,820 alleles (0.0012%); highest among the groups gnomAD compares: Non-Finnish European, 0.0016%; no homozygotes.

Submission:

Labcorp Genetics (formerly Invitae), Labcorp
Classification: Uncertain significance for Megaconial type congenital muscular dystrophy. Last evaluated: 2022-03-26. Review status: criteria provided, single submitter. Criteria: Invitae Variant Classification Sherloc (09022015). Collection method: clinical testing. Allele origin: germline.
Comment: In summary, the available evidence is currently insufficient to determine the role of this variant in disease. Therefore, it has been classified as a Variant of Uncertain Significance. Algorithms developed to predict the effect of sequence changes on RNA splicing suggest that this variant may disrupt the consensus splice site. Algorithms developed to predict the effect of missense changes on protein structure and function (SIFT, PolyPhen-2, Align-GVGD) all suggest that this variant is likely to be disruptive. This missense change has been observed in individual(s) with CHKB-related conditions (PMID: 26782016). This variant is not present in population databases (gnomAD no frequency). This sequence change replaces leucine, which is neutral and non-polar, with glutamine, which is neutral and polar, at codon 317 of the CHKB protein (p.Leu317Gln).

Literature cited by the submitters: PubMed 26782016.

NM_005198.5(CHKB):c.950T>A (p.Leu317Gln)

Genes: CHKB (choline kinase beta; minus strand), CHKB-CPT1B (CHKB-CPT1B readthrough (NMD candidate); minus strand). Cytogenetic location: 22q13.33.
Variant type: single nucleotide variant.
Coding change: c.950T>A on transcript NM_005198.5 (MANE Select); coding-DNA position 950, T replaced by A.
Protein change: p.Leu317Gln; replaces leucine 317 with glutamine.
Molecular consequence: missense variant. On other transcripts: non-coding transcript variant (1).
Genome position (GRCh38, 1-based): chr22:50,579,808, A>T on the plus strand (T>A on the coding strand, the complement: CHKB is on the minus strand). VCF-style: chr22-50579808-A-T. GRCh37 (hg19) VCF-style: chr22-51018237-A-T.
Other names: short protein forms L317Q.
Identifiers: ClinVar variation 2064997 (VCV002064997.4), dbSNP rs763993653, ClinGen allele CA10323560.